The following is an entry in ClinVar:

NM_000316.3(PTH1R):c.809C>T (p.Pro270Leu)

Gene: PTH1R (parathyroid hormone 1 receptor; plus strand). Cytogenetic location: 3p21.31.
Variant type: single nucleotide variant.
Coding change: c.809C>T on transcript NM_000316.3 (MANE Select); coding-DNA position 809, C replaced by T.
Protein change: p.Pro270Leu; replaces proline 270 with leucine.
Molecular consequence: missense variant.
Genome position (GRCh38, 1-based): chr3:46,898,832, C>T. VCF-style: chr3-46898832-C-T. GRCh37 (hg19) VCF-style: chr3-46940322-C-T.
Other names: c.809C>T, p.Pro270Leu (NM_001184744.1); short protein forms P270L.
Identifiers: ClinVar variation 2462931 (VCV002462931.4), dbSNP rs200224936, ClinGen allele CA73769967.
Genomic context (GRCh38, chr3:46,898,832, plus strand): 5'-TTGATGAGGCTGAGCGCCTCACCGAGGAGGAGCTGCGCGCCATCGCCCAGGCGCCCCCGC[C>T]GCCTGCCACCGCCGCTGCCGGCTACGTGAGTACCCCTCTGCCCGCCCGCTCCCGGTGCCG-3'
Protein context (NP_000307.1, residues 260-280): ELRAIAQAPP[Pro270Leu]PATAAAGYAG

ClinVar aggregate classification (germline): Uncertain significance. Review status: criteria provided, multiple submitters, no conflicts (2 of 4 stars). 2 submissions from 2 submitters: Uncertain significance (2). Last evaluated 2024-11-06.

Conditions:
Inborn genetic diseases. Identifiers: MedGen C0950123, MeSH D030342.

Allele frequency attached by ClinVar (database versions not stated): TOPMed below 0.00001; gnomAD 0.00001; gnomAD exomes 0.00002.
gnomAD v4.1: 30 of 1,553,082 alleles (0.0019%); highest among the groups gnomAD compares: Non-Finnish European, 0.0026%; no homozygotes.

Submissions (2):

Labcorp Genetics (formerly Invitae), Labcorp
Classification: Uncertain significance. Last evaluated: 2024-11-06. Review status: criteria provided, single submitter. Criteria: Invitae Variant Classification Sherloc (09022015). Collection method: clinical testing. Allele origin: germline.
Comment: This sequence change replaces proline, which is neutral and non-polar, with leucine, which is neutral and non-polar, at codon 270 of the PTH1R protein (p.Pro270Leu). The frequency data for this variant in the population databases is considered unreliable, as metrics indicate poor data quality at this position in the gnomAD database. This variant has not been reported in the literature in individuals affected with PTH1R-related conditions. ClinVar contains an entry for this variant (Variation ID: 2462931). Invitae Evidence Modeling of protein sequence and biophysical properties (such as structural, functional, and spatial information, amino acid conservation, physicochemical variation, residue mobility, and thermodynamic stability) indicates that this missense variant is not expected to disrupt PTH1R protein function with a negative predictive value of 80%. In summary, the available evidence is currently insufficient to determine the role of this variant in disease. Therefore, it has been classified as a Variant of Uncertain Significance.

Ambry Genetics
Classification: Uncertain significance for Inborn genetic diseases. Last evaluated: 2023-02-22. Review status: criteria provided, single submitter. Criteria: Ambry Variant Classification Scheme 2023. Collection method: clinical testing. Allele origin: germline.